The following is an entry in ClinVar:

NM_017780.4(CHD7):c.635A>G (p.Gln212Arg)

Gene: CHD7 (chromodomain helicase DNA binding protein 7; plus strand). Cytogenetic location: 8q12.2.
Variant type: single nucleotide variant.
Coding change: c.635A>G on transcript NM_017780.4 (MANE Select); coding-DNA position 635, A replaced by G.
Protein change: p.Gln212Arg; replaces glutamine 212 with arginine.
Molecular consequence: missense variant.
Genome position (GRCh38, 1-based): chr8:60,742,067, A>G. VCF-style: chr8-60742067-A-G. GRCh37 (hg19) VCF-style: chr8-61654626-A-G.
Other names: c.635A>G, p.Gln212Arg (NM_001316690.1); short protein forms Q212R.
Identifiers: ClinVar variation 1810634 (VCV001810634.1), dbSNP rs2487267326, ClinGen allele CA371298556.

ClinVar aggregate classification (germline): Uncertain significance (1 of 4 stars; one submission).

Allele frequency attached by ClinVar (database versions not stated): gnomAD exomes below 0.00001.

Submission:

GeneDx
Classification: Uncertain significance. Last evaluated: 2022-07-08. Review status: criteria provided, single submitter. Criteria: GeneDx Variant Classification Process June 2021. Collection method: clinical testing. Allele origin: germline. Affected: yes.
Comment: Not observed at significant frequency in large population cohorts (gnomAD); In silico analysis supports that this missense variant does not alter protein structure/function; Has not been previously published as pathogenic or benign to our knowledge